The following is an entry in ClinVar:

NM_002972.4(SBF1):c.49C>T (p.Pro17Ser)

Gene: SBF1 (SET binding factor 1; minus strand). Cytogenetic location: 22q13.33.
Variant type: single nucleotide variant.
Coding change: c.49C>T on transcript NM_002972.4 (MANE Select); coding-DNA position 49, C replaced by T.
Protein change: p.Pro17Ser; replaces proline 17 with serine.
Molecular consequence: missense variant.
Genome position (GRCh38, 1-based): chr22:50,474,792, G>A on the plus strand (C>T on the coding strand, the complement: SBF1 is on the minus strand). VCF-style: chr22-50474792-G-A. GRCh37 (hg19) VCF-style: chr22-50913221-G-A.
Other names: c.49C>T, p.Pro17Ser (NM_001365819.1, NM_001410794.1, NM_001410795.1 and 1 more transcripts); short protein forms P17S.
Identifiers: ClinVar variation 1923630 (VCV001923630.6), dbSNP rs1263806867, ClinGen allele CA412225231.

ClinVar aggregate classification (germline): Uncertain significance. Review status: criteria provided, multiple submitters, no conflicts (2 of 4 stars). 2 submissions from 2 submitters: Uncertain significance (2). Last evaluated 2022-03-14.

Allele frequency attached by ClinVar (database versions not stated): gnomAD 0.00005; TOPMed 0.00005.
gnomAD v4.1: 68 of 1,461,214 alleles (0.0047%); highest among the groups gnomAD compares: East Asian, 0.081%; no homozygotes.

Submissions (2):

Labcorp Genetics (formerly Invitae), Labcorp
Classification: Uncertain significance. Last evaluated: 2022-03-14. Review status: criteria provided, single submitter. Criteria: Invitae Variant Classification Sherloc (09022015). Collection method: clinical testing. Allele origin: germline.
Comment: This variant has not been reported in the literature in individuals affected with SBF1-related conditions. In summary, the available evidence is currently insufficient to determine the role of this variant in disease. Therefore, it has been classified as a Variant of Uncertain Significance. Algorithms developed to predict the effect of missense changes on protein structure and function (SIFT, PolyPhen-2, Align-GVGD) all suggest that this variant is likely to be tolerated. The frequency data for this variant in the population databases is considered unreliable, as metrics indicate poor data quality at this position in the gnomAD database. This sequence change replaces proline, which is neutral and non-polar, with serine, which is neutral and polar, at codon 17 of the SBF1 protein (p.Pro17Ser).

Blueprint Genetics
Classification: Uncertain significance. Last evaluated: 2021-03-11. Review status: criteria provided, single submitter. Criteria: ACMG Guidelines, 2015. Collection method: clinical testing. Allele origin: germline.